The following is an entry in ClinVar:

NM_014795.4(ZEB2):c.564del (p.Pro189fs)

Genes: ZEB2 (zinc finger E-box binding homeobox 2; minus strand), LOC111721705 (skeletal muscle cis-regulatory module overlapping ZEB2; plus strand). Cytogenetic location: 2q22.3.
Variant type: Deletion.
Coding change: c.564del on transcript NM_014795.4 (MANE Select); coding-DNA position 564, one base deleted (G; older notation c.564delG).
Protein change: p.Pro189fs; shifts the reading frame from proline 189.
Molecular consequence: frameshift variant.
Genome position (GRCh38, 1-based): chr2:144,404,864, C deleted on the plus strand (G on the coding strand, the reverse complement: ZEB2 is on the minus strand). VCF-style (leftmost placement, unchanged base first): chr2-144404863-GC-G. GRCh37 (hg19) VCF-style: chr2-145162430-GC-G.
Other names: c.492del, p.Pro165fs (NM_001171653.2); short protein forms P165fs, P189fs.
Identifiers: ClinVar variation 3062293 (VCV003062293.1), dbSNP rs2549109930, ClinGen allele CA2740095697.

ClinVar aggregate classification (germline): Likely pathogenic (1 of 4 stars; one submission).

Conditions:
Mowat-Wilson syndrome (MOWS). Also called: Classic Mowat-Wilson Syndrome. Identifiers: Orphanet 2152, MedGen C1856113, MONDO:0009341, OMIM 235730.

Submission:

Molecular Genetics Department, Kulakov National Medical Research Center for Obstetrics, Gynecology and Perinatology
Classification: Likely pathogenic for Mowat-Wilson syndrome. Review status: criteria provided, single submitter. Criteria: ACMG Guidelines, 2015. Collection method: clinical testing. Allele origin: germline. Affected: yes.
Comment: A previously undescribed nucleotide variant creates a frameshift p.Pro189GlnfsTer23 in the ZEB2 gene. Loss-of-function variants are reported in patients with Mowat-Wilson syndrome, 235730. The variant is not present in population database (gnomAD no frequency). In summary, the currently available evidence indicates that the variant is pathogenic, but additional data are needed to prove that conclusively. Therefore, this variant has been classified as likely pathogenic.